The following is an entry in ClinVar:

ClinVar aggregate classification (germline): Uncertain significance. Review status: criteria provided, multiple submitters, no conflicts (2 of 4 stars). 3 submissions from 3 submitters: Uncertain significance (3). Last evaluated 2023-12-12.

Conditions:
Inborn genetic diseases. Identifiers: MedGen C0950123, MeSH D030342.
Majeed syndrome (MJDS). Also called: CHRONIC RECURRENT MULTIFOCAL OSTEOMYELITIS 1, WITH CONGENITAL DYSERYTHROPOIETIC ANEMIA, WITH OR WITHOUT NEUTROPHILIC DERMATOSIS; LPIN2-Related Majeed Syndrome. Identifiers: Orphanet 77297, MedGen C1864997, MONDO:0012316, OMIM 609628.

Allele frequency attached by ClinVar (database versions not stated): gnomAD 0.00002 and 0.00004; TOPMed 0.00002; gnomAD exomes 0.00008 and 0.00012; ExAC 0.00011; 1000 Genomes Project 30x 0.00016; 1000 Genomes Project 0.00020.
gnomAD v4.1: 117 of 1,614,130 alleles (0.0072%); highest among the groups gnomAD compares: East Asian, 0.22%; 1 homozygote.

Submissions (3):

Ambry Genetics
Classification: Uncertain significance for Inborn genetic diseases. Last evaluated: 2023-12-12. Review status: criteria provided, single submitter. Criteria: Ambry Variant Classification Scheme 2023. Collection method: clinical testing. Allele origin: germline.

Labcorp Genetics (formerly Invitae), Labcorp
Classification: Uncertain significance for Majeed syndrome. Last evaluated: 2022-08-08. Review status: criteria provided, single submitter. Criteria: Invitae Variant Classification Sherloc (09022015). Collection method: clinical testing. Allele origin: germline.
Comment: This sequence change replaces isoleucine, which is neutral and non-polar, with threonine, which is neutral and polar, at codon 794 of the LPIN2 protein (p.Ile794Thr). This variant is present in population databases (rs183821298, gnomAD 0.2%). This variant has not been reported in the literature in individuals affected with LPIN2-related conditions. ClinVar contains an entry for this variant (Variation ID: 418286). Algorithms developed to predict the effect of missense changes on protein structure and function (SIFT, PolyPhen-2, Align-GVGD) all suggest that this variant is likely to be disruptive. In summary, the available evidence is currently insufficient to determine the role of this variant in disease. Therefore, it has been classified as a Variant of Uncertain Significance.

GeneDx
Classification: Uncertain significance. Last evaluated: 2017-02-20. Review status: criteria provided, single submitter. Criteria: GeneDx Variant Classification (06012015). Collection method: clinical testing. Allele origin: germline. Affected: yes.
Comment: To our knowledge, the I794T variant has not been published as a pathogenic variant, nor has it been reported as a benign variant. The I794T variant is not observed at a significant frequency in large population cohorts (Lek et al., 2016; 1000 Genomes Consortium et al., 2015; Exome Variant Server). I794T is a non-conservative amino acid substitution, which is likely to impact secondary protein structure as these residues differ in polarity, charge, size and/or other properties. This substitution occurs at a position that is conserved across species and in silico analysis predicts this variant is probably damaging to the protein structure/function. However, no nearby missense variants in association with LPIN2-related disorders have been reported in the Human Gene Mutation Database (Stenson et al., 2014). In summary, based on the currently available information, it is unclear whether this variant is a pathogenic variant or a rare benign variant.

NM_001375808.2(LPIN2):c.2381T>C (p.Ile794Thr)

Gene: LPIN2 (lipin 2; minus strand). Cytogenetic location: 18p11.31.
Variant type: single nucleotide variant.
Coding change: c.2381T>C on transcript NM_001375808.2 (MANE Select); coding-DNA position 2381, T replaced by C.
Protein change: p.Ile794Thr; replaces isoleucine 794 with threonine.
Molecular consequence: missense variant.
Genome position (GRCh38, 1-based): chr18:2,921,594, A>G on the plus strand (T>C on the coding strand, the complement: LPIN2 is on the minus strand). VCF-style: chr18-2921594-A-G. GRCh37 (hg19) VCF-style: chr18-2921592-A-G.
Other names: c.2381T>C, p.Ile794Thr (NM_001375809.1, NM_014646.2); short protein forms I794T.
Identifiers: ClinVar variation 418286 (VCV000418286.10), dbSNP rs183821298, ClinGen allele CA8872744.